The following is an entry in ClinVar:

ClinVar aggregate classification (germline): Uncertain significance (1 of 4 stars; one submission).

Submission:

CeGaT Center for Human Genetics Tuebingen
Classification: Uncertain significance. Last evaluated: 2025-11-01. Review status: criteria provided, single submitter. Criteria: CeGaT Center For Human Genetics Tuebingen Variant Classification Criteria Version 2. Collection method: clinical testing. Allele origin: germline. Affected: yes. Observed: 1 variant allele.
Comment: TRIP12: PM2

NM_001348323.3(TRIP12):c.3230G>C (p.Arg1077Thr)

Gene: TRIP12 (thyroid hormone receptor interactor 12; minus strand). Cytogenetic location: 2q36.3.
Variant type: single nucleotide variant.
Coding change: c.3230G>C on transcript NM_001348323.3 (MANE Select); coding-DNA position 3230, G replaced by C.
Protein change: p.Arg1077Thr; replaces arginine 1077 with threonine.
Molecular consequence: missense variant.
Genome position (GRCh38, 1-based): chr2:229,799,360, C>G on the plus strand (G>C on the coding strand, the complement: TRIP12 is on the minus strand). VCF-style: chr2-229799360-C-G. GRCh37 (hg19) VCF-style: chr2-230664076-C-G.
Other names: c.3149G>C, p.Arg1050Thr (NM_001284214.2, NM_001348315.2); c.3104G>C, p.Arg1035Thr (NM_001284215.2, NM_001348316.2, NM_001348317.1 and 1 more transcripts); c.2195G>C, p.Arg732Thr (NM_001284216.2); c.3230G>C, p.Arg1077Thr (NM_001348319.1, NM_001348320.2, NM_001348322.1 and 4 more transcripts); c.3233G>C, p.Arg1078Thr (NM_001348321.1, NM_001348328.1, NM_001348329.2 and 1 more transcripts); c.3023G>C, p.Arg1008Thr (NM_001348331.1); c.3143G>C, p.Arg1048Thr (NM_001348332.1); c.3152G>C, p.Arg1051Thr (NM_001348333.1); and 1 more; short protein forms R1002T, R1008T, R1035T, R1048T, R1050T, R1051T, R1077T, R1078T.
Identifiers: ClinVar variation 4535392 (VCV004535392.6).
Genomic context (GRCh38, chr2:229,799,360, plus strand): 5'-TCATCATCTCTTGGAGGTGAGTACTTTGGCCTTCTTGGCCCTCGTTTTGGCAGTCGTTTT[C>G]TCTTTAGAACATCACTTAATCGACTGTCCATGGGAAAATATGAGATAAGTTTAGCAATTA-3'
Protein context (NP_001335252.1, residues 1067-1087): PQGRLSDVLK[Arg1077Thr]KRLPKRGPRR